The following is an entry in ClinVar:

ClinVar aggregate classification (germline): Pathogenic (1 of 4 stars; one submission).

Conditions:
Polycystic kidney disease 3 with or without polycystic liver disease. Also called: POLYCYSTIC KIDNEY DISEASE, ADULT, TYPE III; Polycystic kidney disease 3; Polycystic Kidney and/or Polycystic Liver Disease 3. Identifiers: MedGen C3887964, MONDO:0010916, OMIM 600666.

Submission:

MVZ Medizinische Genetik Mainz
Classification: Pathogenic for Polycystic kidney disease 3 with or without polycystic liver disease. Last evaluated: 2023-12-11. Review status: criteria provided, single submitter. Criteria: UK Practice Guidelines For Variant Classification V4 01 2020. Collection method: clinical testing. Allele origin: germline. Inheritance: Autosomal dominant inheritance. Affected: yes. Observed: 1 variant allele.
Comment: ACMG Criteria: PVS1,PM2_SUP,PP4

NM_198334.3(GANAB):c.1310_1320del (p.Arg437fs)

Gene: GANAB (glucosidase II alpha subunit; minus strand). Cytogenetic location: 11q12.3.
Variant type: Deletion.
Coding change: c.1310_1320del on transcript NM_198334.3 (MANE Select); coding-DNA positions 1310 to 1320, 11 bases deleted (GGTATTTCACC).
Protein change: p.Arg437fs; shifts the reading frame from arginine 437.
Molecular consequence: frameshift variant.
Genome position (GRCh38, 1-based): chr11:62,630,667-62,630,677, GGTGAAATACC deleted on the plus strand (GGTATTTCACC on the coding strand, the reverse complement: GANAB is on the minus strand); deleting any 11 consecutive bases within chr11:62,630,667-62,630,678 gives the same sequence; the c. name uses the placement nearest the transcript's 3' end. VCF-style (leftmost placement, unchanged base first): chr11-62630666-AGGTGAAATACC-A. GRCh37 (hg19) VCF-style: chr11-62398138-AGGTGAAATACC-A.
Other names: c.1034_1044del, p.Arg345fs (NM_001278192.2); c.968_978del, p.Arg323fs (NM_001278193.2); c.1019_1029del, p.Arg340fs (NM_001278194.2, NM_001329222.2, NM_001329223.2); c.587_597del, p.Arg196fs (NM_001329224.2, NM_001329225.2); c.1376_1386del, p.Arg459fs (NM_198335.4); short protein forms R196fs, R323fs, R340fs, R345fs, R437fs, R459fs.
Identifiers: ClinVar variation 3236796 (VCV003236796.1), dbSNP rs2496336176.